The following is an entry in ClinVar:

NM_020320.5(RARS2):c.1156C>T (p.Arg386Ter)

Gene: RARS2 (arginyl-tRNA synthetase 2, mitochondrial; minus strand). Cytogenetic location: 6q15.
Variant type: single nucleotide variant.
Coding change: c.1156C>T on transcript NM_020320.5 (MANE Select); coding-DNA position 1156, C replaced by T.
Protein change: p.Arg386Ter; replaces arginine 386 with a stop codon.
Molecular consequence: nonsense. On other transcripts: non-coding transcript variant (23).
Genome position (GRCh38, 1-based): chr6:87,519,664, G>A on the plus strand (C>T on the coding strand, the complement: RARS2 is on the minus strand). VCF-style: chr6-87519664-G-A. GRCh37 (hg19) VCF-style: chr6-88229382-G-A.
Other names: c.631C>T, p.Arg211Ter (NM_001318785.2, NM_001350506.2, NM_001350507.2 and 4 more transcripts); c.1156C>T, p.Arg386Ter (NM_001350505.2); c.1156C>T (NM_020320.4); short protein forms R386*, R211*.
Identifiers: ClinVar variation 653657 (VCV000653657.11), dbSNP rs199728745, ClinGen allele CA3916376.
Genomic context (GRCh38, chr6:87,519,664, plus strand): 5'-GTAGCATCCTTAATTGAATCTCATTTAAAACATCTTCCAGGAAAGTGACATCTCCTCTTC[G>A]AGTCTTCATTCCCTGTACTACTCCAAAGGGCACGTGCTGGCACCTAAAAGAGTGGGCATC-3'

ClinVar aggregate classification (germline): Pathogenic/Likely pathogenic. Review status: criteria provided, multiple submitters, no conflicts (2 of 4 stars). 5 submissions from 5 submitters: Pathogenic (2); Likely pathogenic (3). Last evaluated 2026-01-31.

Conditions:
Inborn genetic diseases. Identifiers: MedGen C0950123, MeSH D030342.
Pontocerebellar hypoplasia type 6 (PCH6). Identifiers: Orphanet 166073, MedGen C1969084, MONDO:0012683, OMIM 611523.

Allele frequency attached by ClinVar (database versions not stated): TOPMed below 0.00001; ExAC 0.00001; gnomAD 0.00001; gnomAD exomes 0.00001; 1000 Genomes Project 30x 0.00016; 1000 Genomes Project 0.00020.
gnomAD v4.1: 12 of 1,613,266 alleles (0.00074%); highest among the groups gnomAD compares: East Asian, 0.0022%; no homozygotes.

Submissions (5):

Labcorp Genetics (formerly Invitae), Labcorp
Classification: Pathogenic. Last evaluated: 2026-01-31. Review status: criteria provided, single submitter. Criteria: Invitae Variant Classification Sherloc (09022015). Collection method: clinical testing. Allele origin: germline.
Comment: This sequence change creates a premature translational stop signal (p.Arg386*) in the RARS2 gene. It is expected to result in an absent or disrupted protein product. Loss-of-function variants in RARS2 are known to be pathogenic (PMID: 17847012, 22569581, 26083569). This variant is present in population databases (rs199728745, gnomAD 0.002%). This variant has not been reported in the literature in individuals affected with RARS2-related conditions. ClinVar contains an entry for this variant (Variation ID: 653657). Algorithms developed to predict the effect of sequence changes on RNA splicing suggest that this variant may disrupt the consensus splice site. For these reasons, this variant has been classified as Pathogenic.

Natera, Inc.
Classification: Likely pathogenic for Pontocerebellar hypoplasia, type 6. Last evaluated: 2025-01-28. Review status: criteria provided, single submitter. Criteria: Natera Variant Classification Schema (03/2026). Collection method: clinical testing. Allele origin: germline.
Comment: The c.1156C>T variant in RARS2 is a nonsense variant predicted to introduce a stop codon at amino acid 386. This variant is expected to result in nonsense mediated decay, truncation, or a dysfunctional protein product. This variant is rare in the general population with a frequency below the threshold expected for the associated phenotype(s). Given the available evidence, this variant is classified as Likely Pathogenic.

Revvity Omics, Revvity
Classification: Likely pathogenic for Pontocerebellar hypoplasia type 6. Last evaluated: 2023-09-25. Review status: criteria provided, single submitter. Criteria: ACMG Guidelines, 2015. Collection method: clinical testing. Allele origin: germline.

Baylor Genetics
Classification: Likely pathogenic for Pontocerebellar hypoplasia type 6. Last evaluated: 2023-06-28. Review status: criteria provided, single submitter. Criteria: ACMG Guidelines, 2015. Collection method: clinical testing. Allele origin: unknown.

Ambry Genetics
Classification: Pathogenic for Inborn genetic diseases. Last evaluated: 2021-07-08. Review status: criteria provided, single submitter. Criteria: Ambry Variant Classification Scheme 2023. Collection method: clinical testing. Allele origin: germline.
Comment: The c.1156C>T (p.R386*) alteration, located in exon 14 (coding exon 14) of the RARS2 gene, consists of a C to T substitution at nucleotide position 1156. This changes the amino acid from a arginine (R) to a stop codon at amino acid position 386. This alteration is expected to result in loss of function by premature protein truncation or nonsense-mediated mRNA decay. Based on the available evidence, this alteration is classified as pathogenic.

Literature cited by the submitters: PubMed 17847012 (cited by Labcorp Genetics (formerly Invitae), Labcorp); PubMed 22569581 (cited by Labcorp Genetics (formerly Invitae), Labcorp); PubMed 26083569 (cited by Labcorp Genetics (formerly Invitae), Labcorp).